The following is an entry in ClinVar:

ClinVar aggregate classification (germline): Uncertain significance (1 of 4 stars; one submission).

Conditions:
Familial adenomatous polyposis 1 (FAP1). Also called: POLYPOSIS, ADENOMATOUS INTESTINAL; FAMILIAL ADENOMATOUS POLYPOSIS 1, ATTENUATED. Identifiers: MedGen C2713442, MONDO:0021056, OMIM 175100. Disease mechanism: loss of function.

Submission:

Labcorp Genetics (formerly Invitae), Labcorp
Classification: Uncertain significance for Familial adenomatous polyposis 1. Last evaluated: 2020-04-10. Review status: criteria provided, single submitter. Criteria: Invitae Variant Classification Sherloc (09022015). Collection method: clinical testing. Allele origin: germline.
Comment: This sequence change replaces serine with proline at codon 246 of the APC protein (p.Ser246Pro). The serine residue is moderately conserved and there is a moderate physicochemical difference between serine and proline. This variant is not present in population databases (ExAC no frequency). This variant has not been reported in the literature in individuals with APC-related conditions. Algorithms developed to predict the effect of missense changes on protein structure and function (SIFT, PolyPhen-2, Align-GVGD) all suggest that this variant is likely to be tolerated, but these predictions have not been confirmed by published functional studies and their clinical significance is uncertain. In summary, the available evidence is currently insufficient to determine the role of this variant in disease. Therefore, it has been classified as a Variant of Uncertain Significance.

NM_000038.6(APC):c.736T>C (p.Ser246Pro)

Gene: APC (APC regulator of Wnt signaling pathway; plus strand). Cytogenetic location: 5q22.2.
Variant type: single nucleotide variant.
Coding change: c.736T>C on transcript NM_000038.6 (MANE Select); coding-DNA position 736, T replaced by C.
Protein change: p.Ser246Pro; replaces serine 246 with proline.
Molecular consequence: missense variant. On other transcripts: 5 prime UTR variant (1).
Genome position (GRCh38, 1-based): chr5:112,801,285, T>C. VCF-style: chr5-112801285-T-C. GRCh37 (hg19) VCF-style: chr5-112136982-T-C.
Other names: c.736T>C, p.Ser246Pro (NM_001127510.3, NM_001354895.2, NM_001354896.2 and 1 more transcripts); c.682T>C, p.Ser228Pro (NM_001127511.3); c.766T>C, p.Ser256Pro (NM_001354897.2, NM_001354902.2); c.661T>C, p.Ser221Pro (NM_001354898.2, NM_001354904.2); c.652T>C, p.Ser218Pro (NM_001354899.2); c.559T>C, p.Ser187Pro (NM_001354900.2, NM_001354901.2, NM_001354905.2); c.-300T>C (NM_001354906.2); short protein forms S218P, S221P, S246P, S256P, S187P, S228P.
Identifiers: ClinVar variation 862330 (VCV000862330.11), dbSNP rs1760789041, ClinGen allele CA16022940.